The following is an entry in ClinVar:

NM_000064.4(C3):c.651C>A (p.Val217=)

Gene: C3 (complement C3; minus strand). Cytogenetic location: 19p13.3.
Variant type: single nucleotide variant.
Coding change: c.651C>A on transcript NM_000064.4 (MANE Select); coding-DNA position 651, C replaced by A.
Protein change: p.Val217=; no amino-acid change (valine 217 retained).
Molecular consequence: synonymous variant.
Genome position (GRCh38, 1-based): chr19:6,714,197, G>T on the plus strand (C>A on the coding strand, the complement: C3 is on the minus strand). VCF-style: chr19-6714197-G-T. GRCh37 (hg19) VCF-style: chr19-6714208-G-T.
Identifiers: ClinVar variation 2105549 (VCV002105549.4), dbSNP rs2512266954, ClinGen allele CA505124989.

ClinVar aggregate classification (germline): Uncertain significance (1 of 4 stars; one submission).

Submission:

Labcorp Genetics (formerly Invitae), Labcorp
Classification: Uncertain significance. Last evaluated: 2022-03-01. Review status: criteria provided, single submitter. Criteria: Invitae Variant Classification Sherloc (09022015). Collection method: clinical testing. Allele origin: germline.
Comment: This variant has not been reported in the literature in individuals affected with C3-related conditions. In summary, the available evidence is currently insufficient to determine the role of this variant in disease. Therefore, it has been classified as a Variant of Uncertain Significance. Algorithms developed to predict the effect of sequence changes on RNA splicing suggest that this variant may disrupt the consensus splice site. This variant is not present in population databases (gnomAD no frequency). This sequence change affects codon 217 of the C3 mRNA. It is a 'silent' change, meaning that it does not change the encoded amino acid sequence of the C3 protein.